The following is an entry in ClinVar:

ClinVar aggregate classification (germline): Likely pathogenic (1 of 4 stars; one submission).

Submission:

GeneDx
Classification: Likely pathogenic. Last evaluated: 2026-02-04. Review status: criteria provided, single submitter. Criteria: GeneDx Variant Classification Process June 2021. Collection method: clinical testing. Allele origin: germline.
Comment: Identified in a patient with aortic dissection in published literature (PMID: 32154576); Occurs in the triple helical domain and replaces the glycine in the canonical Gly-X-Y repeat; missense substitution of a canonical glycine residue is expected to disrupt normal protein folding and function, and this is an established mechanism of disease (HGMD; Not observed at significant frequency in large population cohorts (gnomAD); In silico analysis supports that this missense variant has a deleterious effect on protein structure/function; This variant is associated with the following publications: (PMID: 32154576)

NM_000090.4(COL3A1):c.1348G>T (p.Gly450Cys)

Gene: COL3A1 (collagen type III alpha 1 chain; plus strand). Cytogenetic location: 2q32.2.
Variant type: single nucleotide variant.
Coding change: c.1348G>T on transcript NM_000090.4 (MANE Select); coding-DNA position 1348, G replaced by T.
Protein change: p.Gly450Cys; replaces glycine 450 with cysteine.
Molecular consequence: missense variant.
Genome position (GRCh38, 1-based): chr2:188,994,724, G>T. VCF-style: chr2-188994724-G-T. GRCh37 (hg19) VCF-style: chr2-189859450-G-T.
Other names: short protein forms G450C.
Identifiers: ClinVar variation 4887851 (VCV004887851.1).
Genomic context (GRCh38, chr2:188,994,724, plus strand): 5'-AAAACTTTGAACTAAATTCAGTCATAATTTCTTTATTTTACCATCTTTTTTTTTTTTCAG[G>T]GTGAGGCTGGTATTCCAGGTGTTCCAGGAGCTAAAGGCGAAGATGGCAAGGATGGATCAC-3'
Protein context (NP_000081.2, residues 440-460): KGEPGPRGER[Gly450Cys]EAGIPGVPGA